The following is an entry in ClinVar:

NM_001393769.1(MED12L):c.1429A>G (p.Ser477Gly)

Gene: MED12L (mediator complex subunit 12L; plus strand). Cytogenetic location: 3q25.1.
Variant type: single nucleotide variant.
Coding change: c.1429A>G on transcript NM_001393769.1 (MANE Select); coding-DNA position 1429, A replaced by G.
Protein change: p.Ser477Gly; replaces serine 477 with glycine.
Molecular consequence: missense variant.
Genome position (GRCh38, 1-based): chr3:151,165,917, A>G. VCF-style: chr3-151165917-A-G. GRCh37 (hg19) VCF-style: chr3-150883704-A-G.
Other names: c.1429A>G, p.Ser477Gly (NM_053002.6); short protein forms S477G.
Identifiers: ClinVar variation 3366227 (VCV003366227.2).

ClinVar aggregate classification (germline): Uncertain significance (1 of 4 stars; one submission).

Submission:

GeneDx
Classification: Uncertain significance. Last evaluated: 2025-09-30. Review status: criteria provided, single submitter. Criteria: GeneDx Variant Classification Process June 2021. Collection method: clinical testing. Allele origin: germline.
Comment: Not observed at significant frequency in large population cohorts (gnomAD); In silico analysis suggests that this missense variant does not alter protein structure/function; Has not been previously published as pathogenic or benign to our knowledge